The following is an entry in ClinVar:

NM_001458.5(FLNC):c.6864_6867dup (p.Val2290fs)

Genes: FLNC-AS1 (FLNC antisense RNA 1; minus strand), FLNC (filamin C; plus strand). Cytogenetic location: 7q32.1.
Variant type: Duplication.
Coding change: c.6864_6867dup on transcript NM_001458.5 (MANE Select); coding-DNA positions 6864 to 6867, 4 bases duplicated (CGCT; older notation c.6864_6867dupCGCT).
Protein change: p.Val2290fs; shifts the reading frame from valine 2290.
Molecular consequence: frameshift variant.
Genome position (GRCh38, 1-based): chr7:128,854,549-128,854,552, CGCT duplicated; duplicating any 4 consecutive bases within chr7:128,854,548-128,854,552 gives the same sequence; the c. name uses the placement nearest the transcript's 3' end. VCF-style (leftmost placement, unchanged base first): chr7-128854547-G-GTCGC. GRCh37 (hg19) VCF-style: chr7-128494601-G-GTCGC.
Other names: c.6765_6768dup, p.Val2257fs (NM_001127487.2); short protein forms V2257fs, V2290fs.
Identifiers: ClinVar variation 1074493 (VCV001074493.13), dbSNP rs2128939508, ClinGen allele CA2499218754.
Genomic context (GRCh38, chr7:128,854,547, plus strand): 5'-GAGGGCGAGGACAGCGCCTACAGCGTGCGCTTTGTGCCCCAGGAAATGGGGCCCCATACG[G>GTCGC]TCGCTGTCAAGTACCGTGGCCAGCACGTGCCCGGCAGCCCCTTTCAGTTCACTGTGGGGC-3'

ClinVar aggregate classification (germline): Pathogenic. Review status: criteria provided, single submitter (1 of 4 stars). 5 submissions from 5 submitters: Pathogenic (1). 4 of the submissions do not count toward it. Last evaluated 2020-12-12.

Conditions:
Myofibrillar myopathy 5. Also called: Filaminopathy (type); FILAMINOPATHY, AUTOSOMAL DOMINANT. Identifiers: Orphanet 171445, MedGen C1836050, MONDO:0012289, OMIM 609524.
Distal myopathy with posterior leg and anterior hand involvement. Also called: WILLIAMS DISTAL MYOPATHY. Identifiers: Orphanet 63273, MedGen C3279722, MONDO:0013550, OMIM 614065.
Hypertrophic cardiomyopathy 26. Also called: Cardiomyopathy, familial hypertrophic, 26. Identifiers: Orphanet 75249, MedGen C4310749, MONDO:0014883, OMIM 617047.

Submissions (5):

Labcorp Genetics (formerly Invitae), Labcorp
Classification: Pathogenic for Distal myopathy with posterior leg and anterior hand involvement; Myofibrillar myopathy 5; Hypertrophic cardiomyopathy 26. Last evaluated: 2020-12-12. Review status: criteria provided, single submitter. Criteria: Invitae Variant Classification Sherloc (09022015). Collection method: clinical testing. Allele origin: germline.
Comment: This variant has not been reported in the literature in individuals with FLNC-related conditions. For these reasons, this variant has been classified as Pathogenic. Loss-of-function variants in FLNC are known to be pathogenic (PMID: 27908349). This variant is not present in population databases (ExAC no frequency). This sequence change creates a premature translational stop signal (p.Val2290Argfs*23) in the FLNC gene. It is expected to result in an absent or disrupted protein product.

Clinical Genetics DNA and cytogenetics Diagnostics Lab, Erasmus MC, Erasmus Medical Center
Classification: Pathogenic. Review status: no assertion criteria provided. Collection method: clinical testing. Allele origin: germline. Affected: yes. Study: VKGL Data-share Consensus. Not counted in ClinVar's aggregate classification.

Clinical Genetics, Academic Medical Center
Classification: Pathogenic. Review status: no assertion criteria provided. Collection method: clinical testing. Allele origin: germline. Affected: yes. Study: VKGL Data-share Consensus. Not counted in ClinVar's aggregate classification.

Genome Diagnostics Laboratory, University Medical Center Utrecht
Classification: Likely pathogenic. Review status: no assertion criteria provided. Collection method: clinical testing. Allele origin: germline. Affected: yes. Study: VKGL Data-share Consensus. Not counted in ClinVar's aggregate classification.

Joint Genome Diagnostic Labs from Nijmegen and Maastricht, Radboudumc and MUMC+
Classification: Likely pathogenic. Review status: no assertion criteria provided. Collection method: clinical testing. Allele origin: germline. Affected: yes. Study: VKGL Data-share Consensus. Not counted in ClinVar's aggregate classification.

Literature cited by the submitters: PubMed 27908349 (cited by Labcorp Genetics (formerly Invitae), Labcorp).